The following is an entry in ClinVar:

ClinVar aggregate classification (germline): Uncertain significance. Review status: criteria provided, multiple submitters, no conflicts (2 of 4 stars). 2 submissions from 2 submitters: Uncertain significance (2). Last evaluated 2023-10-27.

Allele frequency attached by ClinVar (database versions not stated): ExAC 0.00005; 1000 Genomes Project 30x 0.00016; 1000 Genomes Project 0.00020.
gnomAD v4.1: 43 of 1,614,204 alleles (0.0027%); highest among the groups gnomAD compares: South Asian, 0.047%; no homozygotes.

Submissions (2):

GeneDx
Classification: Uncertain significance. Last evaluated: 2023-10-27. Review status: criteria provided, single submitter. Criteria: GeneDx Variant Classification Process June 2021. Collection method: clinical testing. Allele origin: germline. Affected: yes.
Comment: In silico analysis supports that this missense variant does not alter protein structure/function; Has not been previously published as pathogenic or benign to our knowledge

Revvity Omics, Revvity
Classification: Uncertain significance. Last evaluated: 2020-01-29. Review status: criteria provided, single submitter. Criteria: ACMG Guidelines, 2015. Collection method: clinical testing. Allele origin: germline.

NM_144991.3(TSPEAR):c.1110C>A (p.His370Gln)

Gene: TSPEAR (thrombospondin type laminin G domain and EAR repeats; minus strand). Cytogenetic location: 21q22.3.
Variant type: single nucleotide variant.
Coding change: c.1110C>A on transcript NM_144991.3 (MANE Select); coding-DNA position 1110, C replaced by A.
Protein change: p.His370Gln; replaces histidine 370 with glutamine.
Molecular consequence: missense variant.
Genome position (GRCh38, 1-based): chr21:44,527,331, G>T on the plus strand (C>A on the coding strand, the complement: TSPEAR is on the minus strand). VCF-style: chr21-44527331-G-T. GRCh37 (hg19) VCF-style: chr21-45947214-G-T.
Other names: c.1110C>A (NM_144991.2); c.906C>A, p.His302Gln (NM_001272037.2); short protein forms H302Q, H370Q.
Identifiers: ClinVar variation 2437390 (VCV002437390.4), dbSNP rs587746994, ClinGen allele CA10056722.
Genomic context (GRCh38, chr21:44,527,331, plus strand): 5'-AGTCACCGAACACAGACTTGCCTTTTTCCCGATGGTGAAATGCCTCCAGGCCTGTGCTTG[G>T]TGCGTGGGGATGTTCTGATATGAGACGAACTTCTCTTCGGTCCACTTGTAGACGGCGGAT-3'
Protein context (NP_659428.2, residues 360-380): KFVSYQNIPT[His370Gln]QAQAWRHFTI